The following is an entry in ClinVar:

NM_001009944.3(PKD1):c.7109G>T (p.Cys2370Phe)

Gene: PKD1 (polycystin 1, transient receptor potential channel interacting; minus strand). Cytogenetic location: 16p13.3.
Variant type: single nucleotide variant.
Coding change: c.7109G>T on transcript NM_001009944.3 (MANE Select); coding-DNA position 7109, G replaced by T.
Protein change: p.Cys2370Phe; replaces cysteine 2370 with phenylalanine.
Molecular consequence: missense variant.
Genome position (GRCh38, 1-based): chr16:2,106,905, C>A on the plus strand (G>T on the coding strand, the complement: PKD1 is on the minus strand). VCF-style: chr16-2106905-C-A. GRCh37 (hg19) VCF-style: chr16-2156906-C-A.
Other names: c.7109G>T, p.Cys2370Phe (NM_000296.4); short protein forms C2370F.
Identifiers: ClinVar variation 4531560 (VCV004531560.1).

ClinVar aggregate classification (germline): Pathogenic (1 of 4 stars; one submission).

Conditions:
Polycystic kidney disease, adult type (PKD1). Also called: Polycystic Kidney, Autosomal Dominant; POLYCYSTIC KIDNEY DISEASE, ADULT, TYPE I; Polycystic Kidney Disease 1, Autosomal Dominant; Polycystic kidney disease 1; Polycystic kidney disease 1, severe; POLYCYSTIC KIDNEY DISEASE 1 WITH OR WITHOUT POLYCYSTIC LIVER DISEASE. Identifiers: MedGen C3149841, MONDO:0008263, OMIM 173900.

Submission:

Victorian Clinical Genetics Services, Murdoch Childrens Research Institute
Classification: Pathogenic for Polycystic kidney disease, adult type. Last evaluated: 2025-03-25. Review status: criteria provided, single submitter. Criteria: ACMG Guidelines, 2015. Collection method: clinical testing. Allele origin: germline. Affected: yes.
Comment: This variant is classified as Pathogenic. Evidence in support of pathogenic classification: Variant is absent from gnomAD (v2, v3 and v4); Other missense variant(s) comparable to the one identified in this case have very strong previous evidence for pathogenicity. p.(Cys2370Ser) and p.(Cys2370Arg) have been classified multiple times as likely pathogenic in ClinVar by clinical laboratories. They have also been reported in multiple individuals with autosomal dominant polycystic kidney disease (ADPKD)(Internal data, PKDB, PMIDs:12842373, 17582161, 22008521, 26139440). p.(Cys2370Tyr) has also been reported as pathogenic in an individual with ADPKD (PMID: 36773205); Missense variant consistently predicted to be damaging by in silico tool or highly conserved with a major amino acid change. Additional information: Variant is predicted to result in a missense amino acid change from cysteine to phenylalanine; This variant is heterozygous; This gene is associated with autosomal dominant disease. Polycystic kidney disease 1 (MIM#173900) is predominantly caused by monoallelic variants, with rare reports of biallelic variants causing disease (OMIM); An alternative amino acid change at the same position has been observed in gnomAD (v4: 1 heterozygote(s), 0 homozygote(s)); This variant has no previous evidence of pathogenicity; No published segregation evidence has been identified for this variant; No published functional evidence has been identified for this variant; Variant is located in the annotated REJ domain (DECIPHER); Loss of function is a known mechanism of disease in this gene and is associated with polycystic kidney disease 1 (MIM#173900); Inheritance information for this variant is not currently available in this individual.

Literature cited by the submitters: PubMed 17582161; PubMed 22008521; PubMed 36773205; PubMed 26139440; PubMed 12842373.